The following is an entry in ClinVar:

NC_000017.10:g.(?_62473940)_(62479136_?)del

Gene: POLG2 (DNA polymerase gamma 2, accessory subunit; minus strand). Cytogenetic location: 17q23.3.
Variant type: Deletion.
Identifiers: ClinVar variation 1433403 (VCV001433403.7).

ClinVar aggregate classification (germline): Uncertain significance (1 of 4 stars; one submission).

Submission:

Labcorp Genetics (formerly Invitae), Labcorp
Classification: Uncertain significance. Last evaluated: 2023-10-24. Review status: criteria provided, single submitter. Criteria: Invitae Variant Classification Sherloc (09022015). Collection method: clinical testing. Allele origin: germline.
Comment: This variant is a gross deletion of the genomic region encompassing exon(s) 6-8 of the POLG2 gene, which includes the termination codon. This deletion extends beyond the assayed region for this gene and therefore may encompass additional genes. While this deletion is not anticipated to lead to nonsense mediated decay, it is expected to alter mRNA translation or result in a truncated protein product. This variant has not been reported in the literature in individuals affected with POLG2-related conditions. Experimental studies and prediction algorithms are not available or were not evaluated, and the functional significance of this variant is currently unknown. This variant disrupts a region of the POLG2 protein in which other variant(s) (p.Gly451Glu) have been observed in individuals with POLG2-related conditions (PMID: 16685652). This suggests that this is a clinically significant region of the protein, and that variants that disrupt it are likely to be disease-causing. In summary, the available evidence is currently insufficient to determine the role of this variant in disease. Therefore, it has been classified as a Variant of Uncertain Significance.

Literature cited by the submitters: PubMed 16685652.